The following is an entry in ClinVar:

ClinVar aggregate classification (germline): Benign. Review status: criteria provided, multiple submitters, no conflicts (2 of 4 stars). 5 submissions from 5 submitters: Benign (4). 1 of the submissions does not count toward it. Last evaluated 2025-07-10.

Conditions:
Hereditary cancer-predisposing syndrome. Also called: Hereditary Cancer Syndrome; Hereditary neoplastic syndrome; Tumor predisposition; Neoplastic Syndromes, Hereditary. Identifiers: Orphanet 140162, MedGen C0027672, MeSH D009386, MONDO:0015356.

Allele frequency attached by ClinVar (database versions not stated): ESP Exome Variant Server 0.39082; TOPMed 0.39870; gnomAD 0.39914 and 0.40568; gnomAD exomes 0.41282; ExAC 0.41894; 1000 Genomes Project 30x 0.44144; 1000 Genomes Project 0.45088.
gnomAD v4.1: 629,046 of 1,544,720 alleles (41%); highest among the groups gnomAD compares: East Asian, 57%; 130,041 homozygotes.

Submissions (5):

GeneKor MSA
Classification: Benign for Hereditary cancer-predisposing syndrome. Last evaluated: 2025-07-10. Review status: criteria provided, single submitter. Criteria: ACMG Guidelines, 2015. Collection method: clinical testing. Allele origin: germline.

GeneDx
Classification: Benign. Last evaluated: 2018-06-15. Review status: criteria provided, single submitter. Criteria: GeneDx Variant Classification (06012015). Collection method: clinical testing. Allele origin: germline. Affected: yes.
Comment: This variant is considered likely benign or benign based on one or more of the following criteria: it is a conservative change, it occurs at a poorly conserved position in the protein, it is predicted to be benign by multiple in silico algorithms, and/or has population frequency not consistent with disease.

Ambry Genetics
Classification: Benign for Hereditary cancer-predisposing syndrome. Last evaluated: 2015-05-20. Review status: criteria provided, single submitter. Criteria: Ambry Variant Classification Scheme 2023. Collection method: clinical testing. Allele origin: germline.

Breakthrough Genomics
Classification: Benign. Review status: criteria provided, single submitter. Criteria: ACMG Guidelines, 2015. Collection method: not provided. Allele origin: germline. Inheritance: Autosomal dominant inheritance. Affected: yes.

Genetic Services Laboratory, University of Chicago
Classification: Likely benign for AllHighlyPenetrant. Review status: no assertion criteria provided. Collection method: clinical testing. Allele origin: germline. Inheritance: Autosomal dominant inheritance. Observed: 1 variant allele. Not counted in ClinVar's aggregate classification.
Comment: Likely benign based on allele frequency in 1000 Genomes Project or ESP global frequency and its presence in a patient with a rare or unrelated disease phenotype. NOT Sanger confirmed.

NM_003072.5(SMARCA4):c.3168+31C>G

Gene: SMARCA4 (SWI/SNF related BAF chromatin remodeling complex subunit ATPase 4; plus strand). Cytogenetic location: 19p13.2.
Variant type: single nucleotide variant.
Coding change: c.3168+31C>G on transcript NM_003072.5 (MANE Select); 31 bases into the intron after coding-DNA position 3168, C replaced by G.
Molecular consequence: intron variant.
Genome position (GRCh38, 1-based): chr19:11,025,539, C>G. VCF-style: chr19-11025539-C-G. GRCh37 (hg19) VCF-style: chr19-11136215-C-G.
Other names: c.3168+31C>G (NM_001128844.3, NM_001128849.3, NM_001128847.4 and 5 more transcripts).
Identifiers: ClinVar variation 126360 (VCV000126360.10), dbSNP rs2075021, ClinGen allele CA151112.